The following is an entry in ClinVar:

NM_000488.4(SERPINC1):c.766del (p.Leu256fs)

Gene: SERPINC1 (serpin family C member 1; minus strand). Cytogenetic location: 1q25.1.
Variant type: Deletion.
Coding change: c.766del on transcript NM_000488.4 (MANE Select); coding-DNA position 766, one base deleted (C; older notation c.766delC).
Protein change: p.Leu256fs; shifts the reading frame from leucine 256.
Molecular consequence: frameshift variant. On other transcripts: intron variant (1).
Genome position (GRCh38, 1-based): chr1:173,909,939, G deleted on the plus strand (C on the coding strand, the reverse complement: SERPINC1 is on the minus strand); the first of 2 consecutive G bases (chr1:173,909,939-173,909,940); deleting either gives the same sequence. VCF-style (leftmost placement, unchanged base first): chr1-173909938-AG-A. GRCh37 (hg19) VCF-style: chr1-173879076-AG-A.
Other names: c.766delC (NM_000488.3); c.622del, p.Leu208fs (NM_001365052.2); c.889del, p.Leu297fs (NM_001386302.1); c.847del, p.Leu283fs (NM_001386303.1); c.745del, p.Leu249fs (NM_001386304.1); c.550del, p.Leu184fs (NM_001386306.1); c.763-54del (NM_001386305.1); short protein forms L256fs, L208fs, L184fs, L249fs, L283fs, L297fs.
Identifiers: ClinVar variation 645305 (VCV000645305.5), dbSNP rs1572088865, ClinGen allele CA915943672.

ClinVar aggregate classification (germline): Pathogenic (1 of 4 stars; one submission).

Conditions:
Hereditary antithrombin deficiency (AT3D). Also called: Antithrombin III deficiency; Thrombophilia due to antithrombin III deficiency; Reduced antithrombin III activity; Antithrombin deficiency. Identifiers: Orphanet 82, MedGen C0272375, MONDO:0013144, OMIM 613118, HP:0001976.

Submission:

Labcorp Genetics (formerly Invitae), Labcorp
Classification: Pathogenic for Hereditary antithrombin deficiency. Last evaluated: 2025-05-01. Review status: criteria provided, single submitter. Criteria: Invitae Variant Classification Sherloc (09022015). Collection method: clinical testing. Allele origin: germline.
Comment: This sequence change creates a premature translational stop signal (p.Leu256Cysfs*28) in the SERPINC1 gene. It is expected to result in an absent or disrupted protein product. Loss-of-function variants in SERPINC1 are known to be pathogenic (PMID: 21264449). This variant is not present in population databases (gnomAD no frequency). This variant has not been reported in the literature in individuals affected with SERPINC1-related conditions. ClinVar contains an entry for this variant (Variation ID: 645305). For these reasons, this variant has been classified as Pathogenic.

Literature cited by the submitters: PubMed 21264449.